The following is an entry in ClinVar:

ClinVar aggregate classification (germline): Likely pathogenic (1 of 4 stars; one submission).

Conditions:
Congenital adrenal hyperplasia. Identifiers: Orphanet 418, MedGen C0001627, MONDO:0018479, HP:0008258.

Submission:

Women's Health and Genetics/Laboratory Corporation of America, LabCorp
Classification: Likely pathogenic for Congenital adrenal hyperplasia. Last evaluated: 2023-02-22. Review status: criteria provided, single submitter. Criteria: LabCorp Variant Classification Summary - May 2015. Collection method: clinical testing. Allele origin: germline.
Comment: Variant summary: POR c.784G>T (p.Glu262X) results in a premature termination codon, predicted to cause a truncation of the encoded protein or absence of the protein due to nonsense mediated decay, which are commonly known mechanisms for disease. Truncations downstream of this position have been cited as pathogenic and disease-associated in ClinVar and HGMD. The variant was absent in 245960 control chromosomes. To our knowledge, no occurrence of c.784G>T in individuals affected with Congenital Adrenal Hyperplasia and no experimental evidence demonstrating its impact on protein function have been reported. No clinical diagnostic laboratories have submitted clinical-significance assessments for this variant to ClinVar after 2014. Based on the evidence outlined above, the variant was classified as likely pathogenic.

NM_001395413.1(POR):c.784G>T (p.Glu262Ter)

Gene: POR (cytochrome p450 oxidoreductase; plus strand). Cytogenetic location: 7q11.23.
Variant type: single nucleotide variant.
Coding change: c.784G>T on transcript NM_001395413.1 (MANE Select); coding-DNA position 784, G replaced by T.
Protein change: p.Glu262Ter; replaces glutamic acid 262 with a stop codon.
Molecular consequence: nonsense.
Genome position (GRCh38, 1-based): chr7:75,982,285, G>T. VCF-style: chr7-75982285-G-T. GRCh37 (hg19) VCF-style: chr7-75611603-G-T.
Other names: c.793G>T, p.Glu265Ter (NM_000941.2, NM_000941.3); c.784G>T, p.Glu262Ter (NM_001367562.3, NM_001382657.2, NM_001382658.3 and 2 more transcripts); c.838G>T, p.Glu280Ter (NM_001382655.3); short protein forms E262*, E265*, E280*.
Identifiers: ClinVar variation 2445943 (VCV002445943.1), dbSNP rs782534601, ClinGen allele CA367748560.